The following is an entry in ClinVar:

ClinVar aggregate classification (germline): Uncertain significance (1 of 4 stars; one submission).

Allele frequency attached by ClinVar (database versions not stated): gnomAD exomes 0.00001; TOPMed 0.00002.
gnomAD v4.1: 37 of 1,586,754 alleles (0.0023%); highest among the groups gnomAD compares: Non-Finnish European, 0.0032%; no homozygotes.

Submission:

Labcorp Genetics (formerly Invitae), Labcorp
Classification: Uncertain significance. Last evaluated: 2022-07-19. Review status: criteria provided, single submitter. Criteria: Invitae Variant Classification Sherloc (09022015). Collection method: clinical testing. Allele origin: germline.
Comment: This sequence change replaces proline with leucine at codon 1014 of the COL18A1 protein (p.Pro1014Leu). There is a moderate physicochemical difference between proline and leucine. This variant is present in population databases (no rsID available, gnomAD 0.002%). This variant has not been reported in the literature in individuals affected with COL18A1-related conditions. ClinVar contains an entry for this variant (Variation ID: 1450241). Experimental studies and prediction algorithms are not available or were not evaluated, and the functional significance of this variant is currently unknown. In summary, the available evidence is currently insufficient to determine the role of this variant in disease. Therefore, it has been classified as a Variant of Uncertain Significance.

NM_001379500.1(COL18A1):c.3050C>T (p.Pro1017Leu)

Genes: COL18A1 (collagen type XVIII alpha 1 chain; plus strand), SLC19A1 (solute carrier family 19 member 1; minus strand). Cytogenetic location: 21q22.3.
Variant type: single nucleotide variant.
Coding change: c.3050C>T on transcript NM_001379500.1 (MANE Select); coding-DNA position 3050, C replaced by T.
Protein change: p.Pro1017Leu; replaces proline 1017 with leucine.
Molecular consequence: missense variant.
Genome position (GRCh38, 1-based): chr21:45,505,394, C>T. VCF-style: chr21-45505394-C-T. GRCh37 (hg19) VCF-style: chr21-46925308-C-T.
Other names: c.3581C>T, p.Pro1194Leu (NM_030582.4); c.4286C>T, p.Pro1429Leu (NM_130444.3); short protein forms P1017L, P1194L, P1429L.
Identifiers: ClinVar variation 1450241 (VCV001450241.3), dbSNP rs1333602438, ClinGen allele CA410499735.